The following is an entry in ClinVar:

NM_000271.5(NPC1):c.433C>T (p.Gln145Ter)

Gene: NPC1 (NPC intracellular cholesterol transporter 1; minus strand). Cytogenetic location: 18q11.2.
Variant type: single nucleotide variant.
Coding change: c.433C>T on transcript NM_000271.5 (MANE Select); coding-DNA position 433, C replaced by T.
Protein change: p.Gln145Ter; replaces glutamine 145 with a stop codon.
Molecular consequence: nonsense.
Genome position (GRCh38, 1-based): chr18:23,568,853, G>A on the plus strand (C>T on the coding strand, the complement: NPC1 is on the minus strand). VCF-style: chr18-23568853-G-A. GRCh37 (hg19) VCF-style: chr18-21148817-G-A.
Other names: short protein forms Q145*.
Identifiers: ClinVar variation 370763 (VCV000370763.9), dbSNP rs1057516749, ClinGen allele CA16041923.

ClinVar aggregate classification (germline): Pathogenic/Likely pathogenic. Review status: criteria provided, multiple submitters, no conflicts (2 of 4 stars). 3 submissions from 3 submitters: Pathogenic (1); Likely pathogenic (1). 1 of the submissions does not count toward it. Last evaluated 2025-03-24.

Conditions:
Niemann-Pick disease, type C1. Also called: NEUROVISCERAL STORAGE DISEASE WITH VERTICAL SUPRANUCLEAR OPHTHALMOPLEGIA; NIEMANN-PICK DISEASE WITH CHOLESTEROL ESTERIFICATION BLOCK; NIEMANN-PICK DISEASE WITHOUT SPHINGOMYELINASE DEFICIENCY; NIEMANN-PICK DISEASE, CHRONIC NEURONOPATHIC FORM; NIEMANN-PICK DISEASE, VARIANT TYPE C1. Identifiers: Orphanet 646, MedGen C3179455, MONDO:0009757, OMIM 257220.

Allele frequency attached by ClinVar (database versions not stated): gnomAD exomes below 0.00001.

Submissions (3):

Natera, Inc.
Classification: Likely pathogenic for Niemann-Pick disease type C1. Last evaluated: 2025-03-24. Review status: criteria provided, single submitter. Criteria: Natera Variant Classification Schema (03/2026). Collection method: clinical testing. Allele origin: germline.
Comment: The c.433C>T variant in NPC1 is a nonsense variant predicted to introduce a stop codon at amino acid 145. This variant is expected to result in nonsense mediated decay, truncation, or a dysfunctional protein product. This variant is rare in the general population with a frequency below the threshold expected for the associated phenotype(s). Given the available evidence, this variant is classified as Likely Pathogenic.

Labcorp Genetics (formerly Invitae), Labcorp
Classification: Pathogenic for Niemann-Pick disease, type C1. Last evaluated: 2024-01-11. Review status: criteria provided, single submitter. Criteria: Invitae Variant Classification Sherloc (09022015). Collection method: clinical testing. Allele origin: germline.
Comment: This sequence change creates a premature translational stop signal (p.Gln145*) in the NPC1 gene. It is expected to result in an absent or disrupted protein product. Loss-of-function variants in NPC1 are known to be pathogenic (PMID: 9211850). This variant is not present in population databases (gnomAD no frequency). This variant has not been reported in the literature in individuals affected with NPC1-related conditions. ClinVar contains an entry for this variant (Variation ID: 370763). For these reasons, this variant has been classified as Pathogenic.

Counsyl
Classification: Likely pathogenic for Niemann-Pick disease, type C1. Last evaluated: 2016-04-06. Review status: no assertion criteria provided. Collection method: clinical testing. Allele origin: unknown. Not counted in ClinVar's aggregate classification.

Literature cited by the submitters: PubMed 9211850 (cited by Labcorp Genetics (formerly Invitae), Labcorp).